The following is an entry in ClinVar:

ClinVar aggregate classification (germline): Pathogenic (1 of 4 stars; one submission).

Conditions:
Familial focal epilepsy with variable foci (FPEVF). Identifiers: Orphanet 98820, MedGen C1858477, MONDO:0020310.

Submission:

Labcorp Genetics (formerly Invitae), Labcorp
Classification: Pathogenic for Familial focal epilepsy with variable foci. Last evaluated: 2024-02-22. Review status: criteria provided, single submitter. Criteria: Invitae Variant Classification Sherloc (09022015). Collection method: clinical testing. Allele origin: germline.
Comment: This sequence change creates a premature translational stop signal (p.Ser313Cysfs*24) in the DEPDC5 gene. It is expected to result in an absent or disrupted protein product. Loss-of-function variants in DEPDC5 are known to be pathogenic (PMID: 23542697, 23542701). This variant is not present in population databases (gnomAD no frequency). This variant has not been reported in the literature in individuals affected with DEPDC5-related conditions. For these reasons, this variant has been classified as Pathogenic.

Literature cited by the submitters: PubMed 23542697; PubMed 23542701.

NM_001242896.3(DEPDC5):c.936_937dup (p.Ser313fs)

Gene: DEPDC5 (DEP domain containing 5, GATOR1 subcomplex subunit; plus strand). Cytogenetic location: 22q12.2.
Variant type: Duplication.
Coding change: c.936_937dup on transcript NM_001242896.3 (MANE Select); coding-DNA positions 936 to 937, 2 bases duplicated (GT; older notation c.936_937dupGT).
Protein change: p.Ser313fs; shifts the reading frame from serine 313.
Molecular consequence: frameshift variant. On other transcripts: non-coding transcript variant (5).
Genome position (GRCh38, 1-based): chr22:31,798,646-31,798,647, GT duplicated; duplicating any 2 consecutive bases within chr22:31,798,645-31,798,647 gives the same sequence; the c. name uses the placement nearest the transcript's 3' end. VCF-style (leftmost placement, unchanged base first): chr22-31798644-C-CTG. GRCh37 (hg19) VCF-style: chr22-32194630-C-CTG.
Other names: c.936_937dup, p.Ser313fs (NM_001007188.4, NM_001136029.4, NM_001242897.2 and 7 more transcripts); c.852_853dup, p.Ser285fs (NM_001369901.1, NM_001369902.1); short protein forms S285fs, S313fs.
Identifiers: ClinVar variation 3642411 (VCV003642411.2).